The following is an entry in ClinVar:

NM_001203.3(BMPR1B):c.247G>T (p.Asp83Tyr)

Gene: BMPR1B (bone morphogenetic protein receptor type 1B; plus strand). Cytogenetic location: 4q22.3.
Variant type: single nucleotide variant.
Coding change: c.247G>T on transcript NM_001203.3 (MANE Select); coding-DNA position 247, G replaced by T.
Protein change: p.Asp83Tyr; replaces aspartic acid 83 with tyrosine.
Molecular consequence: missense variant.
Genome position (GRCh38, 1-based): chr4:95,115,685, G>T. VCF-style: chr4-95115685-G-T. GRCh37 (hg19) VCF-style: chr4-96036836-G-T.
Other names: c.247G>T, p.Asp83Tyr (NM_001256792.2, NM_001256794.1); c.337G>T, p.Asp113Tyr (NM_001256793.2); short protein forms D113Y, D83Y.
Identifiers: ClinVar variation 2948705 (VCV002948705.4), dbSNP rs369807264, ClinGen allele CA3014923.
Genomic context (GRCh38, chr4:95,115,685, plus strand): 5'-GATGATTTGACTTTGAAATTTGGAAGAAACTCACTAATAGCTGTTTGGGTTCGATTATAG[G>T]ACACTCCCATTCCTCATCAAAGAAGATCAATTGAATGCTGCACAGAAAGGAACGAATGTA-3'
Protein context (NP_001194.1, residues 73-93): GLEGSDFQCR[Asp83Tyr]TPIPHQRRSI

ClinVar aggregate classification (germline): Uncertain significance. Review status: criteria provided, multiple submitters, no conflicts (2 of 4 stars). 2 submissions from 2 submitters: Uncertain significance (2). Last evaluated 2025-10-06.

Conditions:
Type A2 brachydactyly (BDA2). Also called: BRACHYMESOPHALANGY II; MOHR-WRIEDT TYPE BRACHYDACTYLY; Brachymesophalangy type 2. Identifiers: Orphanet 93396, MedGen C1832702, MONDO:0007216, OMIM 112600, HP:0009372.
Acromesomelic dysplasia 3 (AMD3). Also called: Acromesomelic dysplasia, Demirhan type; CHONDRODYSPLASIA, ACROMESOMELIC, WITH OR WITHOUT GENITAL ANOMALIES. Identifiers: MedGen C4225404, MONDO:0012274, OMIM 609441.

gnomAD v4.1: 51 of 1,612,336 alleles (0.0032%); highest among the groups gnomAD compares: South Asian, 0.0066%; no homozygotes.

Submissions (2):

Labcorp Genetics (formerly Invitae), Labcorp
Classification: Uncertain significance for Type A2 brachydactyly; Acromesomelic dysplasia 3. Last evaluated: 2025-10-06. Review status: criteria provided, single submitter. Criteria: Invitae Variant Classification Sherloc (09022015). Collection method: clinical testing. Allele origin: germline.
Comment: This sequence change replaces aspartic acid, which is acidic and polar, with tyrosine, which is neutral and polar, at codon 83 of the BMPR1B protein (p.Asp83Tyr). This variant is present in population databases (rs369807264, gnomAD 0.006%). This variant has not been reported in the literature in individuals affected with BMPR1B-related conditions. ClinVar contains an entry for this variant (Variation ID: 2948705). An algorithm developed to predict the effect of missense changes on protein structure and function (PolyPhen-2) suggests that this variant is likely to be disruptive. In summary, the available evidence is currently insufficient to determine the role of this variant in disease. Therefore, it has been classified as a Variant of Uncertain Significance.

Blueprint Genetics
Classification: Uncertain significance. Last evaluated: 2024-09-17. Review status: criteria provided, single submitter. Criteria: ACMG Guidelines, 2015. Collection method: clinical testing. Allele origin: germline.